The following is an entry in ClinVar:

NM_005458.8(GABBR2):c.2062G>A (p.Asp688Asn)

Gene: GABBR2 (gamma-aminobutyric acid type B receptor subunit 2; minus strand). Cytogenetic location: 9q22.33.
Variant type: single nucleotide variant.
Coding change: c.2062G>A on transcript NM_005458.8 (MANE Select); coding-DNA position 2062, G replaced by A.
Protein change: p.Asp688Asn; replaces aspartic acid 688 with asparagine.
Molecular consequence: missense variant.
Genome position (GRCh38, 1-based): chr9:98,306,288, C>T on the plus strand (G>A on the coding strand, the complement: GABBR2 is on the minus strand). VCF-style: chr9-98306288-C-T. GRCh37 (hg19) VCF-style: chr9-101068570-C-T.
Other names: short protein forms D688N.
Identifiers: ClinVar variation 1047362 (VCV001047362.8), dbSNP rs1830550022, ClinGen allele CA374200070.

ClinVar aggregate classification (germline): Uncertain significance (1 of 4 stars; one submission).

Conditions:
Epileptic encephalopathy. Identifiers: MedGen C0543888, HP:0200134.

Allele frequency attached by ClinVar (database versions not stated): gnomAD exomes below 0.00001.
gnomAD v4.1: 1 of 1,614,114 alleles (0.000062%); highest among the groups gnomAD compares: Non-Finnish European, 0.000085%; no homozygotes.

Submission:

Labcorp Genetics (formerly Invitae), Labcorp
Classification: Uncertain significance for Epileptic encephalopathy. Last evaluated: 2023-11-20. Review status: criteria provided, single submitter. Criteria: Invitae Variant Classification Sherloc (09022015). Collection method: clinical testing. Allele origin: germline.
Comment: This sequence change replaces aspartic acid, which is acidic and polar, with asparagine, which is neutral and polar, at codon 688 of the GABBR2 protein (p.Asp688Asn). This variant is not present in population databases (gnomAD no frequency). This variant has not been reported in the literature in individuals affected with GABBR2-related conditions. ClinVar contains an entry for this variant (Variation ID: 1047362). Advanced modeling of protein sequence and biophysical properties (such as structural, functional, and spatial information, amino acid conservation, physicochemical variation, residue mobility, and thermodynamic stability) performed at Invitae indicates that this missense variant is expected to disrupt GABBR2 protein function with a positive predictive value of 80%. In summary, the available evidence is currently insufficient to determine the role of this variant in disease. Therefore, it has been classified as a Variant of Uncertain Significance.